The following is an entry in ClinVar:

ClinVar aggregate classification (germline): Likely benign (1 of 4 stars; one submission).

Submission:

CeGaT Center for Human Genetics Tuebingen
Classification: Likely benign. Last evaluated: 2023-04-01. Review status: criteria provided, single submitter. Criteria: CeGaT Center For Human Genetics Tuebingen Variant Classification Criteria Version 2. Collection method: clinical testing. Allele origin: germline. Affected: yes. Observed: 1 variant allele.
Comment: STIL: PM2:Supporting, BP4, BP7

NM_001048166.1(STIL):c.1143A>G (p.Gln381=)

Gene: STIL (STIL centriolar assembly protein; minus strand). Cytogenetic location: 1p33.
Variant type: single nucleotide variant.
Coding change: c.1143A>G on transcript NM_001048166.1 (MANE Select); coding-DNA position 1143, A replaced by G.
Protein change: p.Gln381=; no amino-acid change (glutamine 381 retained).
Molecular consequence: synonymous variant.
Genome position (GRCh38, 1-based): chr1:47,282,450, T>C on the plus strand (A>G on the coding strand, the complement: STIL is on the minus strand). VCF-style: chr1-47282450-T-C. GRCh37 (hg19) VCF-style: chr1-47748122-T-C.
Other names: c.1143A>G, p.Gln381= (NM_001282936.1, NM_001282937.1, NM_003035.2); c.1002A>G, p.Gln334= (NM_001282938.1, NM_001282939.1, NM_001377417.1).
Identifiers: ClinVar variation 2638806 (VCV002638806.24), dbSNP rs2524120265, ClinGen allele CA417775192.